The following is an entry in ClinVar:

NM_144687.4(NLRP12):c.654G>A (p.Ala218=)

Gene: NLRP12 (NLR family pyrin domain containing 12; minus strand). Cytogenetic location: 19q13.42.
Variant type: single nucleotide variant.
Coding change: c.654G>A on transcript NM_144687.4 (MANE Select); coding-DNA position 654, G replaced by A.
Protein change: p.Ala218=; no amino-acid change (alanine 218 retained).
Molecular consequence: synonymous variant.
Genome position (GRCh38, 1-based): chr19:53,811,005, C>T on the plus strand (G>A on the coding strand, the complement: NLRP12 is on the minus strand). VCF-style: chr19-53811005-C-T. GRCh37 (hg19) VCF-style: chr19-54314259-C-T.
Other names: p.Ala218=; c.654G>A, p.Ala218= (NM_001277126.2, NM_001277129.1).
Identifiers: ClinVar variation 330038 (VCV000330038.36), dbSNP rs745766441, ClinGen allele CA9639640.

ClinVar aggregate classification (germline): Conflicting classifications of pathogenicity. Review status: criteria provided, conflicting classifications (1 of 4 stars). 7 submissions from 7 submitters: Uncertain significance (2); Likely benign (5). Last evaluated 2025-05-12.

Conditions:
Familial cold autoinflammatory syndrome 2 (FCAS2). Identifiers: Orphanet 247868, MedGen C2673198, MONDO:0012724, OMIM 611762.
Autoinflammatory syndrome. Identifiers: Orphanet 93665, MedGen C3890737, MONDO:0019751.

Allele frequency attached by ClinVar (database versions not stated): ExAC 0.00001; gnomAD exomes 0.00001; TOPMed 0.00001.
gnomAD v4.1: 32 of 1,613,890 alleles (0.002%); highest among the groups gnomAD compares: East Asian, 0.011%; no homozygotes.

Submissions (7):

Labcorp Genetics (formerly Invitae), Labcorp
Classification: Likely benign for Familial cold autoinflammatory syndrome 2. Last evaluated: 2025-05-12. Review status: criteria provided, single submitter. Criteria: Invitae Variant Classification Sherloc (09022015). Collection method: clinical testing. Allele origin: germline.

CeGaT Center for Human Genetics Tuebingen
Classification: Likely benign. Last evaluated: 2025-05-01. Review status: criteria provided, single submitter. Criteria: CeGaT Center For Human Genetics Tuebingen Variant Classification Criteria Version 2. Collection method: clinical testing. Allele origin: germline. Affected: yes. Observed: 1 variant allele.
Comment: NLRP12: BP4, BP7

Mayo Clinic Laboratories, Mayo Clinic
Classification: Likely benign. Last evaluated: 2025-04-14. Review status: criteria provided, single submitter. Criteria: ACMG Guidelines, 2015. Collection method: clinical testing. Allele origin: germline. Observed: 1 variant allele.
Comment: BP4, BP7

Blueprint Genetics
Classification: Likely benign. Last evaluated: 2024-07-02. Review status: criteria provided, single submitter. Criteria: ACMG Guidelines, 2015. Collection method: clinical testing. Allele origin: germline.

ARUP Laboratories, Molecular Genetics and Genomics, ARUP Laboratories
Classification: Likely benign for Familial cold autoinflammatory syndrome 2. Last evaluated: 2021-09-27. Review status: criteria provided, single submitter. Criteria: ARUP Molecular Germline Variant Investigation Process 2021. Collection method: clinical testing. Allele origin: germline.

Genome Diagnostics Laboratory, The Hospital for Sick Children
Classification: Uncertain significance for Autoinflammatory syndrome. Last evaluated: 2019-12-01. Review status: criteria provided, single submitter. Criteria: ACMG Guidelines, 2015. Collection method: clinical testing. Allele origin: germline. Affected: yes.

Illumina Laboratory Services, Illumina
Classification: Uncertain significance for Familial cold autoinflammatory syndrome 2. Last evaluated: 2018-01-12. Review status: criteria provided, single submitter. Criteria: ICSL Variant Classification Criteria 13 December 2019. Collection method: clinical testing. Allele origin: germline.